The following is an entry in ClinVar:

NM_006208.3(ENPP1):c.328G>A (p.Gly110Ser)

Gene: ENPP1 (ectonucleotide pyrophosphatase/phosphodiesterase 1; plus strand). Cytogenetic location: 6q23.2.
Variant type: single nucleotide variant.
Coding change: c.328G>A on transcript NM_006208.3 (MANE Select); coding-DNA position 328, G replaced by A.
Protein change: p.Gly110Ser; replaces glycine 110 with serine.
Molecular consequence: missense variant.
Genome position (GRCh38, 1-based): chr6:131,850,004, G>A. VCF-style: chr6-131850004-G-A. GRCh37 (hg19) VCF-style: chr6-132171144-G-A.
Other names: short protein forms G110S.
Identifiers: ClinVar variation 2715293 (VCV002715293.3), dbSNP rs372420217, ClinGen allele CA4001871.

ClinVar aggregate classification (germline): Uncertain significance (1 of 4 stars; one submission).

Allele frequency attached by ClinVar (database versions not stated): TOPMed below 0.00001; gnomAD 0.00001; ExAC 0.00002; ESP Exome Variant Server 0.00008.
gnomAD v4.1: 6 of 1,613,488 alleles (0.00037%); highest among the groups gnomAD compares: South Asian, 0.0033%; no homozygotes.

Submission:

Labcorp Genetics (formerly Invitae), Labcorp
Classification: Uncertain significance. Last evaluated: 2025-08-31. Review status: criteria provided, single submitter. Criteria: Invitae Variant Classification Sherloc (09022015). Collection method: clinical testing. Allele origin: germline.
Comment: This sequence change replaces glycine, which is neutral and non-polar, with serine, which is neutral and polar, at codon 110 of the ENPP1 protein (p.Gly110Ser). This variant is present in population databases (rs372420217, gnomAD 0.003%). This variant has not been reported in the literature in individuals affected with ENPP1-related conditions. ClinVar contains an entry for this variant (Variation ID: 2715293). Invitae Evidence Modeling of protein sequence and biophysical properties (such as structural, functional, and spatial information, amino acid conservation, physicochemical variation, residue mobility, and thermodynamic stability) indicates that this missense variant is not expected to disrupt ENPP1 protein function with a negative predictive value of 80%. In summary, the available evidence is currently insufficient to determine the role of this variant in disease. Therefore, it has been classified as a Variant of Uncertain Significance.